The following is an entry in ClinVar:

ClinVar aggregate classification (germline): Uncertain significance (1 of 4 stars; one submission).

Conditions:
Hereditary cancer-predisposing syndrome. Also called: Neoplastic Syndromes, Hereditary; Tumor predisposition; Hereditary Cancer Syndrome; Hereditary neoplastic syndrome. Identifiers: Orphanet 140162, MedGen C0027672, MeSH D009386, MONDO:0015356.

gnomAD v4.1: 1 of 1,613,926 alleles (0.000062%); highest among the groups gnomAD compares: South Asian, 0.0011%; no homozygotes.

Submission:

Ambry Genetics
Classification: Uncertain significance for Hereditary cancer-predisposing syndrome. Last evaluated: 2026-03-30. Review status: criteria provided, single submitter. Criteria: Ambry Variant Classification Scheme 2023. Collection method: clinical testing. Allele origin: germline.
Comment: The p.K241E variant (also known as c.721A>G), located in coding exon 6 of the ATM gene, results from an A to G substitution at nucleotide position 721. The lysine at codon 241 is replaced by glutamic acid, an amino acid with similar properties. This amino acid position is conserved. In addition, this alteration is predicted to be tolerated by in silico analysis. Based on the available evidence, the clinical significance of this variant remains unclear.

NM_000051.4(ATM):c.721A>G (p.Lys241Glu)

Gene: ATM (ATM serine/threonine kinase; plus strand). Cytogenetic location: 11q22.3.
Variant type: single nucleotide variant.
Coding change: c.721A>G on transcript NM_000051.4 (MANE Select); coding-DNA position 721, A replaced by G.
Protein change: p.Lys241Glu; replaces lysine 241 with glutamic acid.
Molecular consequence: missense variant.
Genome position (GRCh38, 1-based): chr11:108,244,846, A>G. VCF-style: chr11-108244846-A-G. GRCh37 (hg19) VCF-style: chr11-108115573-A-G.
Other names: c.721A>G, p.Lys241Glu (NM_001351834.2); short protein forms K241E.
Identifiers: ClinVar variation 4866074 (VCV004866074.1).
Genomic context (GRCh38, chr11:108,244,846, plus strand): 5'-AGACAAGAAAAGAGCTCTTCAGGTCTAAATCATATCTTAGCAGCTCTTACTATCTTCCTC[A>G]AGACTTTGGCTGTCAACTTTCGAATTCGAGTGTGTGAATTAGGAGATGAAATTCTTCCCA-3'
Protein context (NP_000042.3, residues 231-251): HILAALTIFL[Lys241Glu]TLAVNFRIRV